The following is an entry in ClinVar:

NM_000135.4(FANCA):c.3926C>T (p.Thr1309Ile)

Genes: FANCA (FA complementation group A; minus strand), ZNF276 (zinc finger protein 276; plus strand). Cytogenetic location: 16q24.3.
Variant type: single nucleotide variant.
Coding change: c.3926C>T on transcript NM_000135.4 (MANE Select); coding-DNA position 3926, C replaced by T.
Protein change: p.Thr1309Ile; replaces threonine 1309 with isoleucine.
Molecular consequence: missense variant. On other transcripts: 3 prime UTR variant (2), non-coding transcript variant (4).
Genome position (GRCh38, 1-based): chr16:89,740,002, G>A on the plus strand (C>T on the coding strand, the complement: FANCA is on the minus strand). VCF-style: chr16-89740002-G-A. GRCh37 (hg19) VCF-style: chr16-89806410-G-A.
Other names: c.3926C>T, p.Thr1309Ile (NM_001286167.3); c.*1756G>A (NM_001113525.2, NM_152287.4); short protein forms T1309I.
Identifiers: ClinVar variation 4619234 (VCV004619234.1).

ClinVar aggregate classification (germline): Uncertain significance (1 of 4 stars; one submission).

Conditions:
Inborn genetic diseases. Identifiers: MedGen C0950123, MeSH D030342.

gnomAD v4.1: 2 of 1,614,128 alleles (0.00012%); highest among the groups gnomAD compares: South Asian, 0.0011%; no homozygotes.

Submission:

Ambry Genetics
Classification: Uncertain significance for Inborn genetic diseases. Last evaluated: 2025-10-30. Review status: criteria provided, single submitter. Criteria: Ambry Variant Classification Scheme 2023. Collection method: clinical testing. Allele origin: germline.
Comment: The p.T1309I variant (also known as c.3926C>T), located in coding exon 39 of the FANCA gene, results from a C to T substitution at nucleotide position 3926. The threonine at codon 1309 is replaced by isoleucine, an amino acid with similar properties. This amino acid position is conserved. In addition, the in silico prediction for this alteration is inconclusive. Based on the available evidence, the clinical significance of this variant remains unclear.